The following is an entry in ClinVar:

NM_001367624.2(ZNF469):c.7931G>T (p.Arg2644Leu)

Gene: ZNF469 (zinc finger protein 469; plus strand). Cytogenetic location: 16q24.2.
Variant type: single nucleotide variant.
Coding change: c.7931G>T on transcript NM_001367624.2 (MANE Select); coding-DNA position 7931, G replaced by T.
Protein change: p.Arg2644Leu; replaces arginine 2644 with leucine.
Molecular consequence: missense variant.
Genome position (GRCh38, 1-based): chr16:88,435,401, G>T. VCF-style: chr16-88435401-G-T. GRCh37 (hg19) VCF-style: chr16-88501809-G-T.
Other names: NM_001127464.1:c.7847G>T; short protein forms R2644L.
Identifiers: ClinVar variation 1175898 (VCV001175898.37), dbSNP rs281865152, ClinGen allele CA397115462.

ClinVar aggregate classification (germline): Uncertain significance. Review status: criteria provided, multiple submitters, no conflicts (2 of 4 stars). 2 submissions from 2 submitters: Uncertain significance (2). Last evaluated 2022-02-04.

Conditions:
Cardiovascular phenotype. Identifiers: MedGen CN230736.

gnomAD v4.1: 4 of 1,550,370 alleles (0.00026%); highest among the groups gnomAD compares: Non-Finnish European, 0.00035%; no homozygotes.

Submissions (2):

Ambry Genetics
Classification: Uncertain significance for Cardiovascular phenotype. Last evaluated: 2022-02-04. Review status: criteria provided, single submitter. Criteria: Ambry Variant Classification Scheme 2023. Collection method: clinical testing. Allele origin: germline.
Comment: The p.R2616L variant (also known as c.7847G>T), located in coding exon 2 of the ZNF469 gene, results from a G to T substitution at nucleotide position 7847. The arginine at codon 2616 is replaced by leucine, an amino acid with dissimilar properties. This amino acid position is conserved. In addition, this alteration is predicted to be tolerated by in silico analysis. Since supporting evidence is limited at this time, the clinical significance of this alteration remains unclear.

CeGaT Center for Human Genetics Tuebingen
Classification: Uncertain significance. Last evaluated: 2021-07-01. Review status: criteria provided, single submitter. Criteria: CeGaT Center For Human Genetics Tuebingen Variant Classification Criteria Version 2. Collection method: clinical testing. Allele origin: germline. Affected: yes. Observed: 1 variant allele.